The following is an entry in ClinVar:

NM_207111.4(RNF216):c.665A>C (p.Gln222Pro)

Gene: RNF216 (ring finger protein 216; minus strand). Cytogenetic location: 7p22.1.
Variant type: single nucleotide variant.
Coding change: c.665A>C on transcript NM_207111.4 (MANE Select); coding-DNA position 665, A replaced by C.
Protein change: p.Gln222Pro; replaces glutamine 222 with proline.
Molecular consequence: missense variant.
Genome position (GRCh38, 1-based): chr7:5,741,352, T>G on the plus strand (A>C on the coding strand, the complement: RNF216 is on the minus strand). VCF-style: chr7-5741352-T-G. GRCh37 (hg19) VCF-style: chr7-5780983-T-G.
Other names: c.494A>C, p.Gln165Pro (NM_001377156.1, NM_207116.3); short protein forms Q165P, Q222P.
Identifiers: ClinVar variation 1350597 (VCV001350597.5), dbSNP rs1020030411, ClinGen allele CA153257615.

ClinVar aggregate classification (germline): Uncertain significance (1 of 4 stars; one submission).

Allele frequency attached by ClinVar (database versions not stated): TOPMed 0.00001; gnomAD exomes 0.00003.
gnomAD v4.1: 47 of 1,614,170 alleles (0.0029%); highest among the groups gnomAD compares: Non-Finnish European, 0.0036%; no homozygotes.

Submission:

Labcorp Genetics (formerly Invitae), Labcorp
Classification: Uncertain significance. Last evaluated: 2022-07-19. Review status: criteria provided, single submitter. Criteria: Invitae Variant Classification Sherloc (09022015). Collection method: clinical testing. Allele origin: germline.
Comment: In summary, the available evidence is currently insufficient to determine the role of this variant in disease. Therefore, it has been classified as a Variant of Uncertain Significance. Algorithms developed to predict the effect of missense changes on protein structure and function are either unavailable or do not agree on the potential impact of this missense change (SIFT: "Deleterious"; PolyPhen-2: "Possibly Damaging"; Align-GVGD: "Class C0"). ClinVar contains an entry for this variant (Variation ID: 1350597). This variant has not been reported in the literature in individuals affected with RNF216-related conditions. This variant is not present in population databases (gnomAD no frequency). This sequence change replaces glutamine, which is neutral and polar, with proline, which is neutral and non-polar, at codon 222 of the RNF216 protein (p.Gln222Pro).